The following is an entry in ClinVar:

ClinVar aggregate classification (germline): Uncertain significance. Review status: criteria provided, multiple submitters, no conflicts (2 of 4 stars). 2 submissions from 2 submitters: Uncertain significance (2). Last evaluated 2024-10-02.

Allele frequency attached by ClinVar (database versions not stated): gnomAD exomes below 0.00001; ExAC 0.00001.
gnomAD v4.1: 1 of 1,614,114 alleles (0.000062%); no homozygotes.

Submissions (2):

Labcorp Genetics (formerly Invitae), Labcorp
Classification: Uncertain significance. Last evaluated: 2024-10-02. Review status: criteria provided, single submitter. Criteria: Invitae Variant Classification Sherloc (09022015). Collection method: clinical testing. Allele origin: germline.
Comment: This sequence change replaces glutamine, which is neutral and polar, with glutamic acid, which is acidic and polar, at codon 676 of the RINT1 protein (p.Gln676Glu). This variant is present in population databases (rs779310406, gnomAD no frequency). This variant has not been reported in the literature in individuals affected with RINT1-related conditions. ClinVar contains an entry for this variant (Variation ID: 1057823). An algorithm developed to predict the effect of missense changes on protein structure and function (PolyPhen-2) suggests that this variant is likely to be tolerated. In summary, the available evidence is currently insufficient to determine the role of this variant in disease. Therefore, it has been classified as a Variant of Uncertain Significance.

Ambry Genetics
Classification: Uncertain significance. Last evaluated: 2024-05-08. Review status: criteria provided, single submitter. Criteria: Ambry Variant Classification Scheme 2023. Collection method: clinical testing. Allele origin: germline.
Comment: The p.Q676E variant (also known as c.2026C>G), located in coding exon 13 of the RINT1 gene, results from a C to G substitution at nucleotide position 2026. The glutamine at codon 676 is replaced by glutamic acid, an amino acid with highly similar properties. This amino acid position is conserved. In addition, the in silico prediction for this alteration is inconclusive. Based on the available evidence, the clinical significance of this variant remains unclear.

NM_021930.6(RINT1):c.2026C>G (p.Gln676Glu)

Genes: EFCAB10 (EF-hand calcium binding domain 10; minus strand), RINT1 (RAD50 interactor 1; plus strand). Cytogenetic location: 7q22.3.
Variant type: single nucleotide variant.
Coding change: c.2026C>G on transcript NM_021930.6 (MANE Select); coding-DNA position 2026, C replaced by G.
Protein change: p.Gln676Glu; replaces glutamine 676 with glutamic acid.
Molecular consequence: missense variant. On other transcripts: 3 prime UTR variant (2), non-coding transcript variant (1).
Genome position (GRCh38, 1-based): chr7:105,565,416, C>G. VCF-style: chr7-105565416-C-G. GRCh37 (hg19) VCF-style: chr7-105205863-C-G.
Other names: c.*31G>C (NM_001355526.2); c.*133G>C (NM_001355530.2); c.391G>C, p.Ala131Pro (NM_001355531.2); c.1792C>G, p.Gln598Glu (NM_001346599.2); c.1003C>G, p.Gln335Glu (NM_001346600.2, NM_001346603.2); c.1102C>G, p.Gln368Glu (NM_001346601.2); short protein forms A131P, Q335E, Q368E, Q598E, Q676E.
Identifiers: ClinVar variation 1057823 (VCV001057823.10), dbSNP rs779310406, ClinGen allele CA4426840.